The following is an entry in ClinVar:

NM_001349253.2(SCN11A):c.2339C>T (p.Ala780Val)

Gene: SCN11A (sodium voltage-gated channel alpha subunit 11; minus strand). Cytogenetic location: 3p22.2.
Variant type: single nucleotide variant.
Coding change: c.2339C>T on transcript NM_001349253.2 (MANE Select); coding-DNA position 2339, C replaced by T.
Protein change: p.Ala780Val; replaces alanine 780 with valine.
Molecular consequence: missense variant.
Genome position (GRCh38, 1-based): chr3:38,896,909, G>A on the plus strand (C>T on the coding strand, the complement: SCN11A is on the minus strand). VCF-style: chr3-38896909-G-A. GRCh37 (hg19) VCF-style: chr3-38938400-G-A.
Other names: p.Ala780Val; c.2339C>T, p.Ala780Val (NM_014139.3); short protein forms A780V.
Identifiers: ClinVar variation 541596 (VCV000541596.15), dbSNP rs113359492, ClinGen allele CA2322083.

ClinVar aggregate classification (germline): Conflicting classifications of pathogenicity. Review status: criteria provided, conflicting classifications (1 of 4 stars). 4 submissions from 4 submitters: Uncertain significance (1); Likely benign (3). Last evaluated 2025-12-18.

Conditions:
SCN11A-related disorder. Also called: SCN11A-related condition.
Inborn genetic diseases. Identifiers: MedGen C0950123, MeSH D030342.
Hereditary sensory and autonomic neuropathy type 7. Also called: Neuropathy, hereditary sensory and autonomic, type VII; HSAN VII. Identifiers: Orphanet 391397, MedGen C3809882, MONDO:0014244, OMIM 615548.
Familial episodic pain syndrome with predominantly lower limb involvement. Also called: Episodic pain syndrome, familial, 3. Identifiers: Orphanet 391384, Orphanet 391392, MedGen C3809899, MONDO:0014247, OMIM 615552.

Allele frequency attached by ClinVar (database versions not stated): ExAC 0.00006; gnomAD exomes 0.00007; 1000 Genomes Project 30x 0.00016; TOPMed 0.00016; 1000 Genomes Project 0.00020.
gnomAD v4.1: 101 of 1,611,828 alleles (0.0063%); highest among the groups gnomAD compares: African/African-American, 0.05%; 2 homozygotes.

Submissions (4):

PreventionGenetics, part of Exact Sciences
Classification: Likely benign for SCN11A-related condition. Last evaluated: 2025-12-18. Review status: criteria provided, single submitter. Criteria: ACMG Guidelines, 2015. Collection method: clinical testing. Allele origin: germline.
Comment: This variant is classified as likely benign based on ACMG/AMP sequence variant interpretation guidelines (Richards et al. 2015 PMID: 25741868, with internal and published modifications).

Mayo Clinic Laboratories, Mayo Clinic
Classification: Uncertain significance. Last evaluated: 2025-08-13. Review status: criteria provided, single submitter. Criteria: ACMG Guidelines, 2015. Collection method: clinical testing. Allele origin: germline. Observed: 1 variant allele.
Comment: BS2

Labcorp Genetics (formerly Invitae), Labcorp
Classification: Likely benign for Familial episodic pain syndrome with predominantly lower limb involvement; Hereditary sensory and autonomic neuropathy type 7. Last evaluated: 2025-01-27. Review status: criteria provided, single submitter. Criteria: Invitae Variant Classification Sherloc (09022015). Collection method: clinical testing. Allele origin: germline.

Ambry Genetics
Classification: Likely benign for Inborn genetic diseases. Last evaluated: 2021-07-14. Review status: criteria provided, single submitter. Criteria: Ambry Variant Classification Scheme 2023. Collection method: clinical testing. Allele origin: germline.